The following is an entry in ClinVar:

ClinVar aggregate classification (germline): Uncertain significance (1 of 4 stars; one submission).

Conditions:
Autosomal dominant nonsyndromic hearing loss 65. Also called: Deafness, autosomal dominant 65; TBC1D24-Related Autosomal Dominant Nonsyndromic Hearing Loss (DFNA). Identifiers: Orphanet 90635, MedGen C3892048, MONDO:0014470, OMIM 616044.
Developmental and epileptic encephalopathy, 1 (DEE1). Also called: INFANTILE SPASM SYNDROME, X-LINKED 1; X-linked infantile spasms; West's syndrome; Tonic spasms with clustering, arrest of psychomotor development and hypsarrhythmia on EEG; X-Linked Infantile Spasm Syndrome; OHTAHARA SYNDROME, X-LINKED. Identifiers: MedGen C3463992, MONDO:0010632, OMIM 308350. Disease mechanism: loss of function.

Submission:

Labcorp Genetics (formerly Invitae), Labcorp
Classification: Uncertain significance for Developmental and epileptic encephalopathy, 1; Autosomal dominant nonsyndromic hearing loss 65. Last evaluated: 2024-06-17. Review status: criteria provided, single submitter. Criteria: Invitae Variant Classification Sherloc (09022015). Collection method: clinical testing. Allele origin: germline.
Comment: This sequence change affects an acceptor splice site in intron 7 of the TBC1D24 gene. While this variant is not anticipated to result in nonsense mediated decay, it likely alters RNA splicing and results in a disrupted protein product. This variant is not present in population databases (gnomAD no frequency). Disruption of this splice site has been observed in individual(s) with clinical features of autosomal recessive TBC1D24-related conditions (PMID: 31112829). In at least one individual the data is consistent with being in trans (on the opposite chromosome) from a pathogenic variant. Variants that disrupt the consensus splice site are a relatively common cause of aberrant splicing (PMID: 17576681, 9536098). Algorithms developed to predict the effect of sequence changes on RNA splicing suggest that this variant may disrupt the consensus splice site. In summary, the available evidence is currently insufficient to determine the role of this variant in disease. Therefore, it has been classified as a Variant of Uncertain Significance.

Literature cited by the submitters: PubMed 31112829; PubMed 17576681; PubMed 9536098.

NM_001199107.2(TBC1D24):c.1526-1G>T

Gene: TBC1D24 (TBC1 domain family member 24; plus strand). Cytogenetic location: 16p13.3.
Variant type: single nucleotide variant.
Coding change: c.1526-1G>T on transcript NM_001199107.2 (MANE Select); the canonical splice acceptor site of the intron before coding-DNA position 1526, G replaced by T.
Molecular consequence: splice acceptor variant.
Genome position (GRCh38, 1-based): chr16:2,500,803, G>T. VCF-style: chr16-2500803-G-T. GRCh37 (hg19) VCF-style: chr16-2550804-G-T.
Other names: c.1508-1G>T (NM_020705.3).
Identifiers: ClinVar variation 3756852 (VCV003756852.2).